The following is an entry in ClinVar:

ClinVar aggregate classification (germline): Uncertain significance (1 of 4 stars; one submission).

Conditions:
Absence seizure. Also called: Absence epilepsy. Identifiers: Orphanet 1941, MedGen C0014553.
Myoclonic epilepsy, juvenile, susceptibility to, 1. Also called: Myoclonic Epilepsy, Juvenile, 1; EJM1. Identifiers: MedGen C1850778, MONDO:0020752, OMIM 254770.

Submission:

Labcorp Genetics (formerly Invitae), Labcorp
Classification: Uncertain significance for Myoclonic epilepsy, juvenile, susceptibility to, 1; Absence seizure. Last evaluated: 2020-08-20. Review status: criteria provided, single submitter. Criteria: Invitae Variant Classification Sherloc (09022015). Collection method: clinical testing. Allele origin: germline.
Comment: This sequence change replaces isoleucine with serine at codon 629 of the EFHC1 protein (p.Ile629Ser). The isoleucine residue is moderately conserved and there is a large physicochemical difference between isoleucine and serine. This variant is not present in population databases (ExAC no frequency). This variant has not been reported in the literature in individuals with EFHC1-related conditions. Algorithms developed to predict the effect of missense changes on protein structure and function are either unavailable or do not agree on the potential impact of this missense change (SIFT: "Deleterious"; PolyPhen-2: "Possibly Damaging"; Align-GVGD: "Class C0"). Algorithms developed to predict the effect of sequence changes on RNA splicing suggest that this variant may create or strengthen a splice site, but this prediction has not been confirmed by published transcriptional studies. In summary, the available evidence is currently insufficient to determine the role of this variant in disease. Therefore, it has been classified as a Variant of Uncertain Significance.

NM_018100.4(EFHC1):c.1886T>G (p.Ile629Ser)

Gene: EFHC1 (EF-hand domain containing 1; plus strand). Cytogenetic location: 6p12.2.
Variant type: single nucleotide variant.
Coding change: c.1886T>G on transcript NM_018100.4 (MANE Select); coding-DNA position 1886, T replaced by G.
Protein change: p.Ile629Ser; replaces isoleucine 629 with serine.
Molecular consequence: missense variant. On other transcripts: non-coding transcript variant (1).
Genome position (GRCh38, 1-based): chr6:52,492,304, T>G. VCF-style: chr6-52492304-T-G. GRCh37 (hg19) VCF-style: chr6-52357102-T-G.
Other names: c.1829T>G, p.Ile610Ser (NM_001172420.2); short protein forms I610S, I629S.
Identifiers: ClinVar variation 1010536 (VCV001010536.10), dbSNP rs199604518, ClinGen allele CA364459112.